The following is an entry in ClinVar:

NM_001018111.3(PODXL):c.668G>A (p.Gly223Asp)

Gene: PODXL (podocalyxin like; minus strand). Cytogenetic location: 7q32.3.
Variant type: single nucleotide variant.
Coding change: c.668G>A on transcript NM_001018111.3 (MANE Select); coding-DNA position 668, G replaced by A.
Protein change: p.Gly223Asp; replaces glycine 223 with aspartic acid.
Molecular consequence: missense variant.
Genome position (GRCh38, 1-based): chr7:131,510,866, C>T on the plus strand (G>A on the coding strand, the complement: PODXL is on the minus strand). VCF-style: chr7-131510866-C-T. GRCh37 (hg19) VCF-style: chr7-131195625-C-T.
Other names: c.668G>A, p.Gly223Asp (NM_005397.4); short protein forms G223D.
Identifiers: ClinVar variation 2992859 (VCV002992859.3), dbSNP rs367989792, ClinGen allele CA4488652.

ClinVar aggregate classification (germline): Uncertain significance (1 of 4 stars; one submission).

Allele frequency attached by ClinVar (database versions not stated): TOPMed 0.00001; gnomAD 0.00002; ESP Exome Variant Server 0.00008.
gnomAD v4.1: 7 of 1,613,958 alleles (0.00043%); highest among the groups gnomAD compares: Non-Finnish European, 0.00059%; no homozygotes.

Submission:

Labcorp Genetics (formerly Invitae), Labcorp
Classification: Uncertain significance. Last evaluated: 2023-10-13. Review status: criteria provided, single submitter. Criteria: Invitae Variant Classification Sherloc (09022015). Collection method: clinical testing. Allele origin: germline.
Comment: This sequence change replaces glycine, which is neutral and non-polar, with aspartic acid, which is acidic and polar, at codon 223 of the PODXL protein (p.Gly223Asp). This variant is present in population databases (rs367989792, gnomAD 0.002%). This variant has not been reported in the literature in individuals affected with PODXL-related conditions. An algorithm developed to predict the effect of missense changes on protein structure and function (PolyPhen-2) suggests that this variant is likely to be tolerated. In summary, the available evidence is currently insufficient to determine the role of this variant in disease. Therefore, it has been classified as a Variant of Uncertain Significance.